The following is an entry in ClinVar:

NM_015001.3(SPEN):c.9934C>T (p.Arg3312Cys)

Gene: SPEN (spen family transcriptional repressor; plus strand). Cytogenetic location: 1p36.13.
Variant type: single nucleotide variant.
Coding change: c.9934C>T on transcript NM_015001.3 (MANE Select); coding-DNA position 9934, C replaced by T.
Protein change: p.Arg3312Cys; replaces arginine 3312 with cysteine.
Molecular consequence: missense variant.
Genome position (GRCh38, 1-based): chr1:15,936,174, C>T. VCF-style: chr1-15936174-C-T. GRCh37 (hg19) VCF-style: chr1-16262669-C-T.
Other names: short protein forms R3312C.
Identifiers: ClinVar variation 2213459 (VCV002213459.2), dbSNP rs138432235, ClinGen allele CA620600.
Genomic context (GRCh38, chr1:15,936,174, plus strand): 5'-GGGGTGCAGATTGTGCACTCCAGCGGGGAGCTGTTTCAAGAGTACCGGTACGGCGACATC[C>T]GCACCTACCACCCCCCGGCCCAGCTCACACACACTCAGTTTCCCGCCGCTTCCTCTGTTG-3'
Protein context (NP_055816.2, residues 3302-3322): LFQEYRYGDI[Arg3312Cys]TYHPPAQLTH

ClinVar aggregate classification (germline): Uncertain significance (1 of 4 stars; one submission).

Conditions:
Inborn genetic diseases. Identifiers: MedGen C0950123, MeSH D030342.

Allele frequency attached by ClinVar (database versions not stated): TOPMed 0.00001; gnomAD 0.00002; ExAC 0.00003; ESP Exome Variant Server 0.00008; 1000 Genomes Project 30x 0.00016; 1000 Genomes Project 0.00020.
gnomAD v4.1: 91 of 1,605,468 alleles (0.0057%); highest among the groups gnomAD compares: Non-Finnish European, 0.0071%; no homozygotes.

Submission:

Ambry Genetics
Classification: Uncertain significance for Inborn genetic diseases. Last evaluated: 2022-02-04. Review status: criteria provided, single submitter. Criteria: Ambry Variant Classification Scheme 2023. Collection method: clinical testing. Allele origin: germline.
Comment: The c.9934C>T (p.R3312C) alteration is located in exon 11 (coding exon 11) of the SPEN gene. This alteration results from a C to T substitution at nucleotide position 9934, causing the arginine (R) at amino acid position 3312 to be replaced by a cysteine (C). Based on data from gnomAD, the T allele has an overall frequency of 0.002% (6/279162) total alleles studied. The highest observed frequency was 0.01% (3/30048) of South Asian alleles. This amino acid position is well conserved in available vertebrate species. This alteration is predicted to be tolerated by in silico analysis. Based on insufficient or conflicting evidence, the clinical significance of this alteration remains unclear.